The following is an entry in ClinVar:

NM_138694.4(PKHD1):c.10619A>G (p.Asp3540Gly)

Gene: PKHD1 (PKHD1 ciliary IPT domain containing fibrocystin/polyductin; minus strand). Cytogenetic location: 6p12.3.
Variant type: single nucleotide variant.
Coding change: c.10619A>G on transcript NM_138694.4 (MANE Select); coding-DNA position 10619, A replaced by G.
Protein change: p.Asp3540Gly; replaces aspartic acid 3540 with glycine.
Molecular consequence: missense variant.
Genome position (GRCh38, 1-based): chr6:51,659,507, T>C on the plus strand (A>G on the coding strand, the complement: PKHD1 is on the minus strand). VCF-style: chr6-51659507-T-C. GRCh37 (hg19) VCF-style: chr6-51524305-T-C.
Other names: c.10619A>G (NM_138694.3); short protein forms D3540G.
Identifiers: ClinVar variation 290431 (VCV000290431.38), dbSNP rs539832575, ClinGen allele CA3851046.

ClinVar aggregate classification (germline): Uncertain significance. Review status: criteria provided, multiple submitters, no conflicts (2 of 4 stars). 8 submissions from 8 submitters: Uncertain significance (5). 3 of the submissions do not count toward it. Last evaluated 2025-08-21.

Conditions:
Polycystic kidney disease 4 (PKD4). Also called: POLYCYSTIC KIDNEY DISEASE 4 WITH OR WITHOUT POLYCYSTIC LIVER DISEASE; PKD3; Autosomal Recessive Polycystic Kidney Disease – PKHD1; POLYCYSTIC KIDNEY AND HEPATIC DISEASE 1; POLYCYSTIC KIDNEY DISEASE, INFANTILE, TYPE I. Identifiers: MedGen C4540575, MONDO:0033004, OMIM 263200.
Autosomal dominant polycystic liver disease. Also called: Polycystic liver disease; Congenital cystic disease of liver. Identifiers: Orphanet 2924, MedGen C0158683, MONDO:0000447, HP:0006557.
Inborn genetic diseases. Identifiers: MedGen C0950123, MeSH D030342.
Autosomal recessive polycystic kidney disease (ARPKD). Also called: AR polycystic kidney disease. Identifiers: Orphanet 731, Orphanet 8378, MedGen C0085548, MeSH D017044, MONDO:0009889.

Allele frequency attached by ClinVar (database versions not stated): ExAC 0.00007; gnomAD exomes 0.00007 and 0.00013; TOPMed 0.00008; gnomAD 0.00012 and 0.00013.
gnomAD v4.1: 200 of 1,613,530 alleles (0.012%); highest among the groups gnomAD compares: Non-Finnish European, 0.016%; no homozygotes.

Submissions (9):

Labcorp Genetics (formerly Invitae), Labcorp
Classification: Uncertain significance for Autosomal recessive polycystic kidney disease. Last evaluated: 2025-08-21. Review status: criteria provided, single submitter. Criteria: Invitae Variant Classification Sherloc (09022015). Collection method: clinical testing. Allele origin: germline.
Comment: This sequence change replaces aspartic acid, which is acidic and polar, with glycine, which is neutral and non-polar, at codon 3540 of the PKHD1 protein (p.Asp3540Gly). This variant is present in population databases (rs539832575, gnomAD 0.01%). This variant has not been reported in the literature in individuals affected with PKHD1-related conditions. ClinVar contains an entry for this variant (Variation ID: 290431). Invitae Evidence Modeling of protein sequence and biophysical properties (such as structural, functional, and spatial information, amino acid conservation, physicochemical variation, residue mobility, and thermodynamic stability) has been performed for this missense variant. However, the output from this modeling did not meet the statistical confidence thresholds required to predict the impact of this variant on PKHD1 protein function. In summary, the available evidence is currently insufficient to determine the role of this variant in disease. Therefore, it has been classified as a Variant of Uncertain Significance.

Ambry Genetics
Classification: Uncertain significance for Inborn genetic diseases. Last evaluated: 2024-09-08. Review status: criteria provided, single submitter. Criteria: Ambry Variant Classification Scheme 2023. Collection method: clinical testing. Allele origin: germline.

GeneDx
Classification: Uncertain significance. Last evaluated: 2022-04-11. Review status: criteria provided, single submitter. Criteria: GeneDx Variant Classification Process June 2021. Collection method: clinical testing. Allele origin: germline. Affected: yes.
Comment: Not observed at significant frequency in large population cohorts (gnomAD); In silico analysis supports that this missense variant has a deleterious effect on protein structure/function; Has not been previously published as pathogenic or benign to our knowledge

Department of Pathology and Laboratory Medicine, Sinai Health System
Classification: Uncertain significance for Polycystic kidney disease 4. Last evaluated: 2022-02-09. Review status: criteria provided, single submitter. Criteria: ACMG Guidelines, 2015. Collection method: research. Allele origin: germline.

Eurofins Ntd Llc (ga)
Classification: Uncertain significance. Last evaluated: 2016-08-16. Review status: criteria provided, single submitter. Criteria: EGL Classification Definitions 2015. Collection method: clinical testing. Allele origin: germline. Observed: 1 variant allele, 1 heterozygote.

Laboratory of Gastroenterology and Hepatology, Radboud University Medical Center
Classification: Uncertain significance for Autosomal dominant polycystic liver disease. Last evaluated: 2021-09-01. Review status: no assertion criteria provided. Collection method: research. Allele origin: germline. Affected: yes. Not counted in ClinVar's aggregate classification.

Clinical Genetics DNA and cytogenetics Diagnostics Lab, Erasmus MC, Erasmus Medical Center
Classification: Uncertain significance. Review status: no assertion criteria provided. Collection method: clinical testing. Allele origin: germline. Affected: yes. Study: VKGL Data-share Consensus. Not counted in ClinVar's aggregate classification.

Dr. Peter K. Rogan Lab, Western University
No classification provided (evidence only). Condition: Ovarian serous cystadenocarcinoma. Review status: no classification provided. Collection method: in vitro. Allele origin: not applicable. Functional consequence: retained intron. Not counted in ClinVar's aggregate classification.

Joint Genome Diagnostic Labs from Nijmegen and Maastricht, Radboudumc and MUMC+
Classification: Uncertain significance. Review status: no assertion criteria provided. Collection method: clinical testing. Allele origin: germline. Affected: yes. Study: VKGL Data-share Consensus. Not counted in ClinVar's aggregate classification.